The following is an entry in ClinVar:

ClinVar aggregate classification (germline): Uncertain significance (1 of 4 stars; one submission).

Allele frequency attached by ClinVar (database versions not stated): gnomAD 0.00001; gnomAD exomes 0.00001; TOPMed below 0.00001.

Submission:

GeneDx
Classification: Uncertain significance. Last evaluated: 2019-07-26. Review status: criteria provided, single submitter. Criteria: GeneDx Variant Classification Process June 2021. Collection method: clinical testing. Allele origin: germline. Affected: yes.
Comment: Canonical splice acceptor variant predicted to result in the loss of the stop codon; Has not been previously published as pathogenic or benign to our knowledge

NM_030928.4(CDT1):c.1478-1G>A

Gene: CDT1 (chromatin licensing and DNA replication factor 1; plus strand). Cytogenetic location: 16q24.3.
Variant type: single nucleotide variant.
Coding change: c.1478-1G>A on transcript NM_030928.4 (MANE Select); the canonical splice acceptor site of the intron before coding-DNA position 1478, G replaced by A.
Molecular consequence: splice acceptor variant.
Genome position (GRCh38, 1-based): chr16:88,808,114, G>A. VCF-style: chr16-88808114-G-A. GRCh37 (hg19) VCF-style: chr16-88874522-G-A.
Identifiers: ClinVar variation 1306760 (VCV001306760.2), dbSNP rs1255717208, ClinGen allele CA397082807.